The following is an entry in ClinVar:

NM_001918.5(DBT):c.1017+1G>T

Gene: DBT (dihydrolipoamide branched chain transacylase E2; minus strand). Cytogenetic location: 1p21.2.
Variant type: single nucleotide variant.
Coding change: c.1017+1G>T on transcript NM_001918.5 (MANE Select); the canonical splice donor site of the intron after coding-DNA position 1017, G replaced by T.
Molecular consequence: splice donor variant.
Genome position (GRCh38, 1-based): chr1:100,210,693, C>A on the plus strand (G>T on the coding strand, the complement: DBT is on the minus strand). VCF-style: chr1-100210693-C-A. GRCh37 (hg19) VCF-style: chr1-100676249-C-A.
Other names: c.474+1G>T (NM_001399972.1, NM_001399969.1).
Identifiers: ClinVar variation 2830737 (VCV002830737.3), dbSNP rs1176555925, ClinGen allele CA341334391.

ClinVar aggregate classification (germline): Likely pathogenic (1 of 4 stars; one submission).

Conditions:
Maple syrup urine disease (MSUD). Identifiers: Orphanet 511, MedGen C0024776, MeSH D008375, MONDO:0009563. Disease mechanism: loss of function.

Submission:

Labcorp Genetics (formerly Invitae), Labcorp
Classification: Likely pathogenic for Maple syrup urine disease. Last evaluated: 2023-01-31. Review status: criteria provided, single submitter. Criteria: Invitae Variant Classification Sherloc (09022015). Collection method: clinical testing. Allele origin: germline.
Comment: In summary, the currently available evidence indicates that the variant is pathogenic, but additional data are needed to prove that conclusively. Therefore, this variant has been classified as Likely Pathogenic. Algorithms developed to predict the effect of sequence changes on RNA splicing suggest that this variant may disrupt the consensus splice site. This variant has not been reported in the literature in individuals affected with DBT-related conditions. This variant is not present in population databases (gnomAD no frequency). This sequence change affects a donor splice site in intron 8 of the DBT gene. It is expected to disrupt RNA splicing. Variants that disrupt the donor or acceptor splice site typically lead to a loss of protein function (PMID: 16199547), and loss-of-function variants in DBT are known to be pathogenic (PMID: 16579849, 16786533).

Literature cited by the submitters: PubMed 16199547; PubMed 16579849; PubMed 16786533.